The following is an entry in ClinVar:

ClinVar aggregate classification (germline): Likely benign (1 of 4 stars; one submission).

Allele frequency attached by ClinVar (database versions not stated): gnomAD exomes 0.00001.
gnomAD v4.1: 6 of 1,614,146 alleles (0.00037%); highest among the groups gnomAD compares: Non-Finnish European, 0.00051%; no homozygotes.

Submission:

GeneDx
Classification: Likely benign. Last evaluated: 2017-01-18. Review status: criteria provided, single submitter. Criteria: GeneDx Variant Classification (06012015). Collection method: clinical testing. Allele origin: germline. Affected: yes.
Comment: This variant is considered likely benign or benign based on one or more of the following criteria: it is a conservative change, it occurs at a poorly conserved position in the protein, it is predicted to be benign by multiple in silico algorithms, and/or has population frequency not consistent with disease.

NM_014795.4(ZEB2):c.756C>T (p.Tyr252=)

Gene: ZEB2 (zinc finger E-box binding homeobox 2; minus strand). Cytogenetic location: 2q22.3.
Variant type: single nucleotide variant.
Coding change: c.756C>T on transcript NM_014795.4 (MANE Select); coding-DNA position 756, C replaced by T.
Protein change: p.Tyr252=; no amino-acid change (tyrosine 252 retained).
Molecular consequence: synonymous variant.
Genome position (GRCh38, 1-based): chr2:144,403,967, G>A on the plus strand (C>T on the coding strand, the complement: ZEB2 is on the minus strand). VCF-style: chr2-144403967-G-A. GRCh37 (hg19) VCF-style: chr2-145161534-G-A.
Other names: c.684C>T, p.Tyr228= (NM_001171653.2).
Identifiers: ClinVar variation 506959 (VCV000506959.1), dbSNP rs1553962059, ClinGen allele CA429218487.